The following is an entry in ClinVar:

ClinVar aggregate classification (germline): Uncertain significance (1 of 4 stars; one submission).

Conditions:
Gorlin syndrome. Also called: Nevoid Basal Cell Carcinoma Syndrome; Basal cell nevus syndrome. Identifiers: Orphanet 377, MedGen C0004779, MONDO:0007187.

Allele frequency attached by ClinVar (database versions not stated): gnomAD exomes below 0.00001.
gnomAD v4.1: 1 of 1,614,216 alleles (0.000062%); highest among the groups gnomAD compares: Middle Eastern, 0.016%; no homozygotes.

Submission:

Labcorp Genetics (formerly Invitae), Labcorp
Classification: Uncertain significance for Gorlin syndrome. Last evaluated: 2019-07-20. Review status: criteria provided, single submitter. Criteria: Invitae Variant Classification Sherloc (09022015). Collection method: clinical testing. Allele origin: germline.
Comment: In summary, the available evidence is currently insufficient to determine the role of this variant in disease. Therefore, it has been classified as a Variant of Uncertain Significance. Algorithms developed to predict the effect of missense changes on protein structure and function are either unavailable or do not agree on the potential impact of this missense change (SIFT: "Tolerated"; PolyPhen-2: "Probably Damaging"; Align-GVGD: "Class C0"). This variant has not been reported in the literature in individuals with PTCH1-related conditions. This variant is not present in population databases (ExAC no frequency). This sequence change replaces proline with alanine at codon 1415 of the PTCH1 protein (p.Pro1415Ala). The proline residue is moderately conserved and there is a small physicochemical difference between proline and alanine.

NM_000264.5(PTCH1):c.4243C>G (p.Pro1415Ala)

Gene: PTCH1 (patched 1; minus strand). Cytogenetic location: 9q22.32.
Variant type: single nucleotide variant.
Coding change: c.4243C>G on transcript NM_000264.5 (MANE Select); coding-DNA position 4243, C replaced by G.
Protein change: p.Pro1415Ala; replaces proline 1415 with alanine.
Molecular consequence: missense variant. On other transcripts: non-coding transcript variant (1).
Genome position (GRCh38, 1-based): chr9:95,447,013, G>C on the plus strand (C>G on the coding strand, the complement: PTCH1 is on the minus strand). VCF-style: chr9-95447013-G-C. GRCh37 (hg19) VCF-style: chr9-98209295-G-C.
Other names: c.4045C>G, p.Pro1349Ala (NM_001083602.3); c.4240C>G, p.Pro1414Ala (NM_001083603.3); c.3790C>G, p.Pro1264Ala (NM_001083604.3, NM_001083605.3, NM_001083606.3 and 1 more transcripts); c.4087C>G, p.Pro1363Ala (NM_001354918.2); short protein forms P1363A, P1415A, P1264A, P1349A, P1414A.
Identifiers: ClinVar variation 945341 (VCV000945341.10), dbSNP rs1837967897, ClinGen allele CA374110043.
Genomic context (GRCh38, chr9:95,447,013, plus strand): 5'-CGTCCTGCAGCTCAATGACTTCCACCTTCGAATCCCTCCTCTCACACCGGACGTGGAAAG[G>C]CACGTGGGGGTCCTCAAACAGGCCGTGGTCAGTCTCAGGGTAGCCTGGGCAGAGTCCCCC-3'
Protein context (NP_000255.2, residues 1405-1425): DHGLFEDPHV[Pro1415Ala]FHVRCERRDS